The following is an entry in ClinVar:

NM_001063.4(TF):c.125G>A (p.Arg42His)

Gene: TF (transferrin; plus strand). Cytogenetic location: 3q22.1.
Variant type: single nucleotide variant.
Coding change: c.125G>A on transcript NM_001063.4 (MANE Select); coding-DNA position 125, G replaced by A.
Protein change: p.Arg42His; replaces arginine 42 with histidine.
Molecular consequence: missense variant. On other transcripts: 5 prime UTR variant (1), intron variant (1).
Genome position (GRCh38, 1-based): chr3:133,748,493, G>A. VCF-style: chr3-133748493-G-A. GRCh37 (hg19) VCF-style: chr3-133467337-G-A.
Other names: c.-8G>A (NM_001354703.2); c.-166+2010G>A (NM_001354704.2); short protein forms R42H.
Identifiers: ClinVar variation 1900205 (VCV001900205.2), dbSNP rs41298293, ClinGen allele CA2624870.

ClinVar aggregate classification (germline): Uncertain significance (1 of 4 stars; one submission).

Allele frequency attached by ClinVar (database versions not stated): 1000 Genomes Project 30x 0.00031; 1000 Genomes Project 0.00040.
gnomAD v4.1: 55 of 1,614,110 alleles (0.0034%); highest among the groups gnomAD compares: South Asian, 0.022%; no homozygotes.

Submission:

Labcorp Genetics (formerly Invitae), Labcorp
Classification: Uncertain significance. Last evaluated: 2022-10-13. Review status: criteria provided, single submitter. Criteria: Invitae Variant Classification Sherloc (09022015). Collection method: clinical testing. Allele origin: germline.
Comment: This sequence change replaces arginine, which is basic and polar, with histidine, which is basic and polar, at codon 42 of the TF protein (p.Arg42His). This variant is present in population databases (rs41298293, gnomAD 0.02%). This variant has not been reported in the literature in individuals affected with TF-related conditions. Advanced modeling of protein sequence and biophysical properties (such as structural, functional, and spatial information, amino acid conservation, physicochemical variation, residue mobility, and thermodynamic stability) performed at Invitae indicates that this missense variant is not expected to disrupt TF protein function. In summary, the available evidence is currently insufficient to determine the role of this variant in disease. Therefore, it has been classified as a Variant of Uncertain Significance.